The following is an entry in ClinVar:

ClinVar aggregate classification (germline): Benign/Likely benign. Review status: criteria provided, multiple submitters, no conflicts (2 of 4 stars). 4 submissions from 4 submitters: Benign (3); Likely benign (1). Last evaluated 2020-03-19.

Allele frequency attached by ClinVar (database versions not stated): gnomAD 0.00010 and 0.00101; ESP Exome Variant Server 0.00015; TOPMed 0.00029; gnomAD exomes 0.00341; ExAC 0.00407; 1000 Genomes Project 30x 0.00687; 1000 Genomes Project 0.00719.
gnomAD v4.1: 2,650 of 1,609,320 alleles (0.16%); highest among the groups gnomAD compares: South Asian, 2.7%; 62 homozygotes.

Submissions (4):

Dubai Health Genomic Medicine Center, Dubai Health
Classification: Benign. Last evaluated: 2020-03-19. Review status: criteria provided, single submitter. Criteria: ACMG Guidelines, 2015. Collection method: clinical testing. Allele origin: germline. Affected: yes.

GeneDx
Classification: Benign. Last evaluated: 2019-07-03. Review status: criteria provided, single submitter. Criteria: GeneDx Variant Classification Process June 2021. Collection method: clinical testing. Allele origin: germline. Affected: yes.

Laboratory for Molecular Medicine, Mass General Brigham Personalized Medicine
Classification: Benign. Last evaluated: 2014-11-20. Review status: criteria provided, single submitter. Criteria: LMM Criteria. Collection method: clinical testing. Allele origin: germline. Observed: 9 variant alleles.
Comment: p.Pro5334Leu in exon 45A of TTN: This variant is not expected to have clinical s ignificance because it has been identified in 3.0% (482/16240) of South Asian ch romosomes by the Exome Aggregation Consortium (ExAC. org; dbSNP rs151253841).

Biesecker Lab/Clinical Genomics Section, National Institutes of Health
Classification: Likely benign. Last evaluated: 2013-06-24. Review status: criteria provided, single submitter. Criteria: Ng et al. (Circ Cardiovasc Genet. 2013). Collection method: research. Allele origin: unknown. Observed: 2 variant alleles. Study: ClinSeq.
Comment: The study set was not selected for affection status in relation to any cancer. Pathogenicity categories were based on literature curation. See Pubmed ID:23861362 for details.

Medical sequencing

NM_133379.5(TTN):c.16001C>T (p.Pro5334Leu)

Gene: TTN (titin; minus strand). Cytogenetic location: 2q31.2.
Variant type: single nucleotide variant.
Coding change: c.16001C>T on transcript NM_133379.5; coding-DNA position 16001, C replaced by T.
Protein change: p.Pro5334Leu; replaces proline 5334 with leucine.
Molecular consequence: missense variant. On other transcripts: intron variant (6).
Genome position (GRCh38, 1-based): chr2:178,746,399, G>A on the plus strand (C>T on the coding strand, the complement: TTN is on the minus strand). VCF-style: chr2-178746399-G-A. GRCh37 (hg19) VCF-style: chr2-179611126-G-A.
Other names: p.P5334L:CCC>CTC; c.10360+6725C>T (NM_133378.4); c.10361-4478C>T (NM_001256850.1); c.10223-4478C>T (NM_003319.4); c.10799-4478C>T (NM_133437.4); c.10598-4478C>T (NM_133432.3); c.11312-4478C>T (NM_001267550.2); short protein forms P5334L.
Identifiers: ClinVar variation 47792 (VCV000047792.12), dbSNP rs151253841, ClinGen allele CA141907.